The following is an entry in ClinVar:

ClinVar aggregate classification (germline): Uncertain significance. Review status: criteria provided, multiple submitters, no conflicts (2 of 4 stars). 2 submissions from 2 submitters: Uncertain significance (2). Last evaluated 2024-04-02.

Conditions:
Cardiomyopathy (CMYO). Also called: Cardiomyopathies. Identifiers: Orphanet 167848, MedGen C0878544, MONDO:0004994, HP:0001638. Inheritance: Various modes of inheritance.
Hypertrophic cardiomyopathy. Also called: HYPERTROPHIC MYOCARDIOPATHY. Identifiers: Orphanet 217569, MedGen C0007194, MeSH D002312, MONDO:0005045, HP:0001639.

Submissions (2):

Labcorp Genetics (formerly Invitae), Labcorp
Classification: Uncertain significance for Hypertrophic cardiomyopathy. Last evaluated: 2024-04-02. Review status: criteria provided, single submitter. Criteria: Invitae Variant Classification Sherloc (09022015). Collection method: clinical testing. Allele origin: germline.
Comment: This sequence change falls in intron 3 of the MYL3 gene. It does not directly change the encoded amino acid sequence of the MYL3 protein. It affects a nucleotide within the consensus splice site. This variant is not present in population databases (gnomAD no frequency). This variant has not been reported in the literature in individuals affected with MYL3-related conditions. ClinVar contains an entry for this variant (Variation ID: 1332485). Variants that disrupt the consensus splice site are a relatively common cause of aberrant splicing (PMID: 17576681, 9536098). Algorithms developed to predict the effect of sequence changes on RNA splicing suggest that this variant may disrupt the consensus splice site. In summary, the available evidence is currently insufficient to determine the role of this variant in disease. Therefore, it has been classified as a Variant of Uncertain Significance.

Color Diagnostics, LLC DBA Color Health
Classification: Uncertain significance for Cardiomyopathy. Last evaluated: 2021-03-16. Review status: criteria provided, single submitter. Criteria: ACMG Guidelines, 2015. Collection method: clinical testing. Allele origin: germline.
Comment: This variant causes an A to G nucleotide substitution at the +3 position of intron 3 of the MYL3 gene. Splice prediction tools are inconclusive regarding the impact of this variant on RNA splicing. To our knowledge, functional studies have not been reported for this variant. This variant has not been reported in individuals affected with cardiovascular disorders in the literature. This variant has not been identified in the general population by the Genome Aggregation Database (gnomAD). The available evidence is insufficient to determine the role of this variant in disease conclusively. Therefore, this variant is classified as a Variant of Uncertain Significance.

Literature cited by the submitters: PubMed 17576681 (cited by Labcorp Genetics (formerly Invitae), Labcorp); PubMed 9536098 (cited by Labcorp Genetics (formerly Invitae), Labcorp).

NM_000258.3(MYL3):c.307+3A>G

Gene: MYL3 (myosin light chain 3; minus strand). Cytogenetic location: 3p21.31.
Variant type: single nucleotide variant.
Coding change: c.307+3A>G on transcript NM_000258.3 (MANE Select); 3 bases into the intron after coding-DNA position 307, A replaced by G.
Molecular consequence: intron variant.
Genome position (GRCh38, 1-based): chr3:46,860,673, T>C on the plus strand (A>G on the coding strand, the complement: MYL3 is on the minus strand). VCF-style: chr3-46860673-T-C. GRCh37 (hg19) VCF-style: chr3-46902163-T-C.
Identifiers: ClinVar variation 1332485 (VCV001332485.5), dbSNP rs2106909563, ClinGen allele CA2573052177.